The following is an entry in ClinVar:

ClinVar aggregate classification (germline): Uncertain significance (1 of 4 stars; one submission).

Conditions:
Neurofibromatosis, type 1 (NF1). Also called: VON RECKLINGHAUSEN DISEASE; Neurofibromatosis, type I; NEUROFIBROMATOSIS, TYPE I, SOMATIC; Peripheral type neurofibromatosis. Identifiers: Orphanet 636, MedGen C0027831, MONDO:0018975, OMIM 162200. Disease mechanism: loss of function.

gnomAD v4.1: 1 of 1,613,778 alleles (0.000062%); highest among the groups gnomAD compares: Non-Finnish European, 0.000085%; no homozygotes.

Submission:

Labcorp Genetics (formerly Invitae), Labcorp
Classification: Uncertain significance for Neurofibromatosis, type 1. Last evaluated: 2025-11-10. Review status: criteria provided, single submitter. Criteria: Invitae Variant Classification Sherloc (09022015). Collection method: clinical testing. Allele origin: germline.
Comment: This sequence change replaces valine, which is neutral and non-polar, with alanine, which is neutral and non-polar, at codon 689 of the NF1 protein (p.Val689Ala). This variant is not present in population databases (gnomAD no frequency). This variant has not been reported in the literature in individuals affected with NF1-related conditions. Invitae Evidence Modeling of protein sequence and biophysical properties (such as structural, functional, and spatial information, amino acid conservation, physicochemical variation, residue mobility, and thermodynamic stability) has been performed for this missense variant. However, the output from this modeling did not meet the statistical confidence thresholds required to predict the impact of this variant on NF1 protein function. In summary, the available evidence is currently insufficient to determine the role of this variant in disease. Therefore, it has been classified as a Variant of Uncertain Significance.

NM_001042492.3(NF1):c.2066T>C (p.Val689Ala)

Gene: NF1 (neurofibromin 1; plus strand). Cytogenetic location: 17q11.2.
Variant type: single nucleotide variant.
Coding change: c.2066T>C on transcript NM_001042492.3 (MANE Select); coding-DNA position 2066, T replaced by C.
Protein change: p.Val689Ala; replaces valine 689 with alanine.
Molecular consequence: missense variant.
Genome position (GRCh38, 1-based): chr17:31,226,499, T>C. VCF-style: chr17-31226499-T-C. GRCh37 (hg19) VCF-style: chr17-29553517-T-C.
Other names: c.2066T>C, p.Val689Ala (NM_000267.4); short protein forms V689A.
Identifiers: ClinVar variation 4800728 (VCV004800728.1).